The following is an entry in ClinVar:

NM_020877.5(DNAH2):c.4897A>G (p.Arg1633Gly)

Gene: DNAH2 (dynein axonemal heavy chain 2; plus strand). Cytogenetic location: 17p13.1.
Variant type: single nucleotide variant.
Coding change: c.4897A>G on transcript NM_020877.5 (MANE Select); coding-DNA position 4897, A replaced by G.
Protein change: p.Arg1633Gly; replaces arginine 1633 with glycine.
Molecular consequence: missense variant.
Genome position (GRCh38, 1-based): chr17:7,776,099, A>G. VCF-style: chr17-7776099-A-G. GRCh37 (hg19) VCF-style: chr17-7679417-A-G.
Other names: short protein forms R1633G.
Identifiers: ClinVar variation 3351272 (VCV003351272.1).

ClinVar aggregate classification (germline): Uncertain significance (0 of 4 stars; one submission).

Conditions:
DNAH2-related disorder. Also called: DNAH2-related condition.

gnomAD v4.1: 55 of 1,614,004 alleles (0.0034%); highest among the groups gnomAD compares: Non-Finnish European, 0.0046%; no homozygotes.

Submission:

PreventionGenetics, part of Exact Sciences
Classification: Uncertain significance for DNAH2-related condition. Last evaluated: 2024-09-03. Review status: no assertion criteria provided. Collection method: clinical testing. Allele origin: germline.
Comment: The DNAH2 c.4897A>G variant is predicted to result in the amino acid substitution p.Arg1633Gly. To our knowledge, this variant has not been reported in the literature. This variant is reported in 0.0018% of alleles in individuals of European (Non-Finnish) descent in gnomAD. At this time, the clinical significance of this variant is uncertain due to the absence of conclusive functional and genetic evidence.